The following is an entry in ClinVar:

NM_001148.6(ANK2):c.3224+6A>G

Gene: ANK2 (ankyrin 2; plus strand). Cytogenetic location: 4q26.
Variant type: single nucleotide variant.
Coding change: c.3224+6A>G on transcript NM_001148.6 (MANE Select); 6 bases into the intron after coding-DNA position 3224, A replaced by G.
Molecular consequence: intron variant.
Genome position (GRCh38, 1-based): chr4:113,332,076, A>G. VCF-style: chr4-113332076-A-G. GRCh37 (hg19) VCF-style: chr4-114253232-A-G.
Other names: c.3209+6A>G (NM_001386186.2, NM_001386148.2); c.3011+6A>G (NM_001354269.3); c.3090-978A>G (NM_001386187.2); c.3084-978A>G (NM_001386147.1, NM_001354261.2); c.3069-978A>G (NM_001386160.1); c.3173+6A>G (NM_001354254.2); c.3194+6A>G (NM_001354239.2, NM_001354252.2); c.3096-978A>G (NM_001354272.2); and 28 more.
Identifiers: ClinVar variation 515973 (VCV000515973.8), dbSNP rs751666292, ClinGen allele CA3050793.

ClinVar aggregate classification (germline): Conflicting classifications of pathogenicity. Review status: criteria provided, conflicting classifications (1 of 4 stars). 2 submissions from 2 submitters: Uncertain significance (1); Likely benign (1). Last evaluated 2026-01-27.

Conditions:
Long QT syndrome (LQTS). Identifiers: MedGen C0023976, MeSH D008133, MONDO:0002442. Disease mechanism: loss of function. Inheritance: Various modes of inheritance.

Allele frequency attached by ClinVar (database versions not stated): TOPMed 0.00003; gnomAD 0.00005 and 0.00006; gnomAD exomes 0.00009 and 0.00003; ExAC 0.00003.
gnomAD v4.1: 135 of 1,610,376 alleles (0.0084%); highest among the groups gnomAD compares: Non-Finnish European, 0.011%; no homozygotes.

Submissions (2):

Labcorp Genetics (formerly Invitae), Labcorp
Classification: Uncertain significance for Long QT syndrome. Last evaluated: 2026-01-27. Review status: criteria provided, single submitter. Criteria: Invitae Variant Classification Sherloc (09022015). Collection method: clinical testing. Allele origin: germline.
Comment: This sequence change falls in intron 28 of the ANK2 gene. It does not directly change the encoded amino acid sequence of the ANK2 protein. It affects a nucleotide within the consensus splice site. This variant is present in population databases (rs751666292, gnomAD 0.008%). This variant has not been reported in the literature in individuals affected with ANK2-related conditions. ClinVar contains an entry for this variant (Variation ID: 515973). Variants that disrupt the consensus splice site are a relatively common cause of aberrant splicing (PMID: 17576681, 9536098). Algorithms developed to predict the effect of sequence changes on RNA splicing suggest that this variant is not likely to affect RNA splicing. In summary, the available evidence is currently insufficient to determine the role of this variant in disease. Therefore, it has been classified as a Variant of Uncertain Significance.

GeneDx
Classification: Likely benign. Last evaluated: 2021-04-28. Review status: criteria provided, single submitter. Criteria: GeneDx Variant Classification Process June 2021. Collection method: clinical testing. Allele origin: germline. Affected: yes.

Literature cited by the submitters: PubMed 17576681 (cited by Labcorp Genetics (formerly Invitae), Labcorp); PubMed 9536098 (cited by Labcorp Genetics (formerly Invitae), Labcorp).